The following is an entry in ClinVar:

NM_002755.4(MAP2K1):c.322C>G (p.Arg108Gly)

Gene: MAP2K1 (mitogen-activated protein kinase kinase 1; plus strand). Cytogenetic location: 15q22.31.
Variant type: single nucleotide variant.
Coding change: c.322C>G on transcript NM_002755.4 (MANE Select); coding-DNA position 322, C replaced by G.
Protein change: p.Arg108Gly; replaces arginine 108 with glycine.
Molecular consequence: missense variant.
Genome position (GRCh38, 1-based): chr15:66,436,776, C>G. VCF-style: chr15-66436776-C-G. GRCh37 (hg19) VCF-style: chr15-66729114-C-G.
Other names: c.256C>G, p.Arg86Gly (NM_001411065.1); short protein forms R86G, R108G.
Identifiers: ClinVar variation 4614557 (VCV004614557.2).
Genomic context (GRCh38, chr15:66,436,776, plus strand): 5'-AAAACCTCTCTTTCTTCCACCTTTCTCCAGCTAATTCATCTGGAGATCAAACCCGCAATC[C>G]GGAACCAGATCATAAGGGAGCTGCAGGTTCTGCATGAGTGCAACTCTCCGTACATCGTGG-3'
Protein context (NP_002746.1, residues 98-118): LIHLEIKPAI[Arg108Gly]NQIIRELQVL

ClinVar aggregate classification (germline): Uncertain significance (1 of 4 stars; one submission).

Conditions:
Cardiovascular phenotype. Identifiers: MedGen CN230736.

Submission:

Ambry Genetics
Classification: Uncertain significance for Cardiovascular phenotype. Last evaluated: 2025-12-15. Review status: criteria provided, single submitter. Criteria: Ambry Variant Classification Scheme 2023. Collection method: clinical testing. Allele origin: germline.
Comment: The c.322C>G (p.R108G) alteration is located in exon 3 (coding exon 3) of the MAP2K1 gene. This alteration results from a C to G substitution at nucleotide position 322, causing the arginine (R) at amino acid position 108 to be replaced by a glycine (G). This variant was not reported in population-based cohorts in the Genome Aggregation Database (gnomAD). This amino acid position is highly conserved in available vertebrate species. This alteration is predicted to be deleterious by in silico analysis. Based on insufficient or conflicting evidence, the clinical significance of this alteration remains unclear.